The following is an entry in ClinVar:

ClinVar aggregate classification (germline): Uncertain significance (1 of 4 stars; one submission).

Conditions:
Familial adenomatous polyposis 1 (FAP1). Also called: FAMILIAL ADENOMATOUS POLYPOSIS 1, ATTENUATED; POLYPOSIS, ADENOMATOUS INTESTINAL. Identifiers: MedGen C2713442, MONDO:0021056, OMIM 175100. Disease mechanism: loss of function.

Submission:

Labcorp Genetics (formerly Invitae), Labcorp
Classification: Uncertain significance for Familial adenomatous polyposis 1. Last evaluated: 2024-08-04. Review status: criteria provided, single submitter. Criteria: Invitae Variant Classification Sherloc (09022015). Collection method: clinical testing. Allele origin: germline.
Comment: This sequence change replaces methionine, which is neutral and non-polar, with isoleucine, which is neutral and non-polar, at codon 115 of the APC protein (p.Met115Ile). This variant is not present in population databases (gnomAD no frequency). This variant has not been reported in the literature in individuals affected with APC-related conditions. Advanced modeling of protein sequence and biophysical properties (such as structural, functional, and spatial information, amino acid conservation, physicochemical variation, residue mobility, and thermodynamic stability) performed at Invitae indicates that this missense variant is not expected to disrupt APC protein function with a negative predictive value of 95%. In summary, the available evidence is currently insufficient to determine the role of this variant in disease. Therefore, it has been classified as a Variant of Uncertain Significance.

NM_000038.6(APC):c.345G>T (p.Met115Ile)

Gene: APC (APC regulator of Wnt signaling pathway; plus strand). Cytogenetic location: 5q22.2.
Variant type: single nucleotide variant.
Coding change: c.345G>T on transcript NM_000038.6 (MANE Select); coding-DNA position 345, G replaced by T.
Protein change: p.Met115Ile; replaces methionine 115 with isoleucine.
Molecular consequence: missense variant. On other transcripts: 5 prime UTR variant (4), non-coding transcript variant (2).
Genome position (GRCh38, 1-based): chr5:112,767,313, G>T. VCF-style: chr5-112767313-G-T. GRCh37 (hg19) VCF-style: chr5-112103010-G-T.
Other names: c.345G>T, p.Met115Ile (NM_001127510.3, NM_001354895.2, NM_001354896.2 and 16 more transcripts); c.375G>T, p.Met125Ile (NM_001127511.3, NM_001354897.2, NM_001354902.2 and 1 more transcripts); c.270G>T, p.Met90Ile (NM_001354898.2, NM_001354904.2, NM_001407451.1); c.168G>T, p.Met56Ile (NM_001354900.2, NM_001354901.2, NM_001354905.2 and 1 more transcripts); c.-691G>T (NM_001354906.2, NM_001407470.1, NM_001407471.1 and 1 more transcripts); short protein forms M115I, M90I, M125I, M56I.
Identifiers: ClinVar variation 3635394 (VCV003635394.2).